The following is an entry in ClinVar:

ClinVar aggregate classification (germline): Uncertain significance. Review status: criteria provided, multiple submitters, no conflicts (2 of 4 stars). 2 submissions from 2 submitters: Uncertain significance (2). Last evaluated 2025-08-21.

Conditions:
Epidermolysis bullosa simplex 5C, with pyloric atresia (EBS5C). Also called: Epidermolysis bullosa simplex with pyloric atresia; PLEC-Related Epidermolysis Bullosa with Pyloric Atresia; PLEC1-Related Epidermolysis Bullosa with Pyloric Atresia. Identifiers: Orphanet 158684, MedGen C2677349, MONDO:0012807, OMIM 612138.
Epidermolysis bullosa simplex 5B, with muscular dystrophy (EBS5B). Also called: Epidermolysis bullosa simplex with muscular dystrophy; EPIDERMOLYSIS BULLOSA SIMPLEX AND LIMB-GIRDLE MUSCULAR DYSTROPHY. Identifiers: Orphanet 257, MedGen C2931072, MONDO:0009181, OMIM 226670.
Epidermolysis bullosa simplex, Ogna type (EBS5A). Also called: Pidermolysis bullosa simplex 5A, Ogna type; EPIDERMOLYSIS BULLOSA SIMPLEX 5A, OGNA TYPE. Identifiers: Orphanet 79401, MedGen C0432317, MONDO:0007555, OMIM 131950.
Epidermolysis bullosa simplex with nail dystrophy (EBS5D). Identifiers: MedGen C4225309, MONDO:0014661, OMIM 616487.
Autosomal recessive limb-girdle muscular dystrophy type 2Q (LGMDR17). Also called: MUSCULAR DYSTROPHY, LIMB-GIRDLE, AUTOSOMAL RECESSIVE 17. Identifiers: Orphanet 254361, MedGen C3150989, MONDO:0013390, OMIM 613723.

Allele frequency attached by ClinVar (database versions not stated): ExAC 0.00002; gnomAD 0.00002; gnomAD exomes 0.00002 and 0.00003; TOPMed 0.00003; ESP Exome Variant Server 0.00008.
gnomAD v4.1: 52 of 1,612,070 alleles (0.0032%); highest among the groups gnomAD compares: Non-Finnish European, 0.0039%; no homozygotes.

Submissions (2):

Labcorp Genetics (formerly Invitae), Labcorp
Classification: Uncertain significance for Autosomal recessive limb-girdle muscular dystrophy type 2Q; Epidermolysis bullosa simplex, Ogna type; Epidermolysis bullosa simplex with nail dystrophy; Epidermolysis bullosa simplex 5C, with pyloric atresia; Epidermolysis bullosa simplex 5B, with muscular dystrophy. Last evaluated: 2025-08-21. Review status: criteria provided, single submitter. Criteria: Invitae Variant Classification Sherloc (09022015). Collection method: clinical testing. Allele origin: germline.
Comment: This sequence change falls in intron 8 of the PLEC gene. It does not directly change the encoded amino acid sequence of the PLEC protein. It affects a nucleotide within the consensus splice site. This variant is present in population databases (rs369126676, gnomAD 0.005%). This variant has not been reported in the literature in individuals affected with PLEC-related conditions. ClinVar contains an entry for this variant (Variation ID: 657739). Variants that disrupt the consensus splice site are a relatively common cause of aberrant splicing (PMID: 17576681, 9536098). Algorithms developed to predict the effect of sequence changes on RNA splicing suggest that this variant is not likely to affect RNA splicing. In summary, the available evidence is currently insufficient to determine the role of this variant in disease. Therefore, it has been classified as a Variant of Uncertain Significance.

Athena Diagnostics
Classification: Uncertain significance. Last evaluated: 2019-06-24. Review status: criteria provided, single submitter. Criteria: Athena Diagnostics Criteria. Collection method: clinical testing. Allele origin: germline.

Literature cited by the submitters: PubMed 17576681 (cited by Labcorp Genetics (formerly Invitae), Labcorp); PubMed 9536098 (cited by Labcorp Genetics (formerly Invitae), Labcorp).

NM_201384.3(PLEC):c.718+5G>A

Gene: PLEC (plectin; minus strand). Cytogenetic location: 8q24.3.
Variant type: single nucleotide variant.
Coding change: c.718+5G>A on transcript NM_201384.3 (MANE Select); 5 bases into the intron after coding-DNA position 718, G replaced by A.
Molecular consequence: intron variant.
Genome position (GRCh38, 1-based): chr8:143,935,193, C>T on the plus strand (G>A on the coding strand, the complement: PLEC is on the minus strand). VCF-style: chr8-143935193-C-T. GRCh37 (hg19) VCF-style: chr8-145009361-C-T.
Other names: c.799+5G>A (NM_000445.5); c.676+5G>A (NM_201378.4); c.652+5G>A (NM_201379.3); c.1129+5G>A (NM_201380.4); c.622+5G>A (NM_201381.3); c.718+5G>A (NM_201382.4); c.730+5G>A (NM_201383.3).
Identifiers: ClinVar variation 657739 (VCV000657739.7), dbSNP rs369126676, ClinGen allele CA4928344.
Genomic context (GRCh38, chr8:143,935,193, plus strand): 5'-GCTCAGCGGTGGCTCTGGGGCAGGCAGCAGGGGAAGGGACAGGGAGGAAGGCCACGCAGA[C>T]GTACCCTCAGGGTCCAGGAGCCGCGTCACTCCCAGGTCCCGCTCCGCCACAGAGAAGGCC-3'